The following is an entry in ClinVar:

ClinVar aggregate classification (germline): Uncertain significance (1 of 4 stars; one submission).

Conditions:
Cardiovascular phenotype. Identifiers: MedGen CN230736.

Allele frequency attached by ClinVar (database versions not stated): gnomAD exomes below 0.00001; gnomAD 0.00001; TOPMed 0.00001.
gnomAD v4.1: 3 of 1,613,716 alleles (0.00019%); highest among the groups gnomAD compares: African/African-American, 0.0027%; no homozygotes.

Submission:

Ambry Genetics
Classification: Uncertain significance for Cardiovascular phenotype. Last evaluated: 2019-10-30. Review status: criteria provided, single submitter. Criteria: Ambry Variant Classification Scheme 2023. Collection method: clinical testing. Allele origin: germline.
Comment: The p.T24912A variant (also known as c.74734A>G), located in coding exon 185 of the TTN gene, results from an A to G substitution at nucleotide position 74734. The threonine at codon 24912 is replaced by alanine, an amino acid with similar properties. This amino acid position is not well conserved in available vertebrate species. In addition, this alteration is predicted to be tolerated by in silico analysis. Since supporting evidence is limited at this time, the clinical significance of this alteration remains unclear.

NM_001267550.2(TTN):c.101929A>G (p.Thr33977Ala)

Genes: TTN (titin; minus strand), TTN-AS1 (TTN antisense RNA 1; plus strand). Cytogenetic location: 2q31.2.
Variant type: single nucleotide variant.
Coding change: c.101929A>G on transcript NM_001267550.2 (MANE Select); coding-DNA position 101929, A replaced by G.
Protein change: p.Thr33977Ala; replaces threonine 33977 with alanine.
Molecular consequence: missense variant.
Genome position (GRCh38, 1-based): chr2:178,534,686, T>C on the plus strand (A>G on the coding strand, the complement: TTN is on the minus strand). VCF-style: chr2-178534686-T-C. GRCh37 (hg19) VCF-style: chr2-179399413-T-C.
Other names: c.97006A>G, p.Thr32336Ala (NM_001256850.1); c.74734A>G, p.Thr24912Ala (NM_003319.4); c.94225A>G, p.Thr31409Ala (NM_133378.4); c.75109A>G, p.Thr25037Ala (NM_133432.3); c.75310A>G, p.Thr25104Ala (NM_133437.4); short protein forms T24912A, T32336A, T25037A, T33977A, T25104A, T31409A.
Identifiers: ClinVar variation 1759066 (VCV001759066.2), dbSNP rs1434947550, ClinGen allele CA349418899.